The following is an entry in ClinVar:

ClinVar aggregate classification (germline): Uncertain significance (1 of 4 stars; one submission).

Conditions:
Neurodevelopmental disorder with seizures and nonepileptic hyperkinetic movements. Identifiers: MedGen C5193128, MONDO:0032784, OMIM 618497.

Allele frequency attached by ClinVar (database versions not stated): ExAC 0.00008; gnomAD exomes 0.00009; ESP Exome Variant Server 0.00008.
gnomAD v4.1: 107 of 1,613,348 alleles (0.0066%); highest among the groups gnomAD compares: Middle Eastern, 0.049%; no homozygotes.

Submission:

Labcorp Genetics (formerly Invitae), Labcorp
Classification: Uncertain significance. Last evaluated: 2024-01-15. Review status: criteria provided, single submitter. Criteria: Invitae Variant Classification Sherloc (09022015). Collection method: clinical testing. Allele origin: germline.
Comment: This sequence change replaces proline, which is neutral and non-polar, with leucine, which is neutral and non-polar, at codon 2250 of the CACNA1B protein (p.Pro2250Leu). This variant is present in population databases (rs202102427, gnomAD 0.02%). This variant has not been reported in the literature in individuals affected with CACNA1B-related conditions. ClinVar contains an entry for this variant (Variation ID: 1339817). An algorithm developed to predict the effect of missense changes on protein structure and function (PolyPhen-2) suggests that this variant¬†is likely to be tolerated. In summary, the available evidence is currently insufficient to determine the role of this variant in disease. Therefore, it has been classified as a Variant of Uncertain Significance.

NM_000718.4(CACNA1B):c.6749C>T (p.Pro2250Leu)

Gene: CACNA1B (calcium voltage-gated channel subunit alpha1 B; plus strand). Cytogenetic location: 9q34.3.
Variant type: single nucleotide variant.
Coding change: c.6749C>T on transcript NM_000718.4 (MANE Select); coding-DNA position 6749, C replaced by T.
Protein change: p.Pro2250Leu; replaces proline 2250 with leucine.
Molecular consequence: missense variant. On other transcripts: synonymous variant (1).
Genome position (GRCh38, 1-based): chr9:138,121,728, C>T. VCF-style: chr9-138121728-C-T. GRCh37 (hg19) VCF-style: chr9-141016180-C-T.
Other names: c.6562C>T, p.Leu2188= (NM_001243812.2); short protein forms P2250L.
Identifiers: ClinVar variation 1339817 (VCV001339817.6), dbSNP rs202102427, ClinGen allele CA5377798.